The following is an entry in ClinVar:

ClinVar aggregate classification (germline): Uncertain significance (1 of 4 stars; one submission).

Conditions:
Familial thoracic aortic aneurysm and aortic dissection (TAAD). Also called: Thoracic aortic aneurysms and dissections. Identifiers: Orphanet 91387, MedGen C4707243, MONDO:0019625.

Submission:

Ambry Genetics
Classification: Uncertain significance for Familial thoracic aortic aneurysm and aortic dissection. Last evaluated: 2018-04-27. Review status: criteria provided, single submitter. Criteria: Ambry Variant Classification Scheme 2023. Collection method: clinical testing. Allele origin: germline.
Comment: The p.H274L variant (also known as c.821A>T), located in coding exon 5 of the TGFB3 gene, results from an A to T substitution at nucleotide position 821. The histidine at codon 274 is replaced by leucine, an amino acid with similar properties. This amino acid position is not well conserved in available vertebrate species, and leucine is the reference amino acid in other vertebrate species. In addition, this alteration is predicted to be tolerated by in silico analysis. Since supporting evidence is limited at this time, the clinical significance of this alteration remains unclear.

NM_003239.5(TGFB3):c.821A>T (p.His274Leu)

Gene: TGFB3 (transforming growth factor beta 3; minus strand). Cytogenetic location: 14q24.3.
Variant type: single nucleotide variant.
Coding change: c.821A>T on transcript NM_003239.5 (MANE Select); coding-DNA position 821, A replaced by T.
Protein change: p.His274Leu; replaces histidine 274 with leucine.
Molecular consequence: missense variant.
Genome position (GRCh38, 1-based): chr14:75,963,421, T>A on the plus strand (A>T on the coding strand, the complement: TGFB3 is on the minus strand). VCF-style: chr14-75963421-T-A. GRCh37 (hg19) VCF-style: chr14-76429764-T-A.
Other names: c.821A>T, p.His274Leu (NM_001329938.2, NM_001329939.2); short protein forms H274L.
Identifiers: ClinVar variation 1762501 (VCV001762501.2), dbSNP rs2504099982, ClinGen allele CA390468503.
Genomic context (GRCh38, chr14:75,963,421, plus strand): 5'-CCCTGGCCCGGGTTGTCGAGCCGGTGTGGGGGAATCATCATGAGGATTAGATGAGGGTTG[T>A]GGTGATCCTTCTGCTTCTTGAGGCGCCCCAGATCTCCACGGCCATGGTCATCCTCATTGT-3'
Protein context (NP_003230.1, residues 264-284): LGRLKKQKDH[His274Leu]NPHLILMMIP